The following is an entry in ClinVar:

ClinVar aggregate classification (germline): Uncertain significance (1 of 4 stars; one submission).

Allele frequency attached by ClinVar (database versions not stated): ExAC 0.00017; gnomAD 0.00051; TOPMed 0.00054; ESP Exome Variant Server 0.00070; 1000 Genomes Project 0.00120; 1000 Genomes Project 30x 0.00125.
gnomAD v4.1: 155 of 1,613,756 alleles (0.0096%); highest among the groups gnomAD compares: African/African-American, 0.17%; no homozygotes.

Submission:

Labcorp Genetics (formerly Invitae), Labcorp
Classification: Uncertain significance. Last evaluated: 2022-08-22. Review status: criteria provided, single submitter. Criteria: Invitae Variant Classification Sherloc (09022015). Collection method: clinical testing. Allele origin: germline.
Comment: This sequence change replaces arginine, which is basic and polar, with glutamine, which is neutral and polar, at codon 348 of the GP6 protein (p.Arg348Gln). This variant is present in population databases (rs186103270, gnomAD 0.2%). This variant has not been reported in the literature in individuals affected with GP6-related conditions. Algorithms developed to predict the effect of missense changes on protein structure and function (SIFT, PolyPhen-2, Align-GVGD) all suggest that this variant is likely to be tolerated. In summary, the available evidence is currently insufficient to determine the role of this variant in disease. Therefore, it has been classified as a Variant of Uncertain Significance.

NM_016363.5(GP6):c.*19G>A

Gene: GP6 (glycoprotein VI platelet; minus strand). Cytogenetic location: 19q13.42.
Variant type: single nucleotide variant.
Coding change: c.*19G>A on transcript NM_016363.5 (MANE Select); 19 bases downstream of the stop codon, G replaced by A.
Molecular consequence: 3 prime UTR variant. On other transcripts: missense variant (1).
Genome position (GRCh38, 1-based): chr19:55,014,902, C>T on the plus strand (G>A on the coding strand, the complement: GP6 is on the minus strand). VCF-style: chr19-55014902-C-T. GRCh37 (hg19) VCF-style: chr19-55526270-C-T.
Other names: c.1043G>A, p.Arg348Gln (NM_001083899.2); c.*19G>A (NM_001256017.2); short protein forms R348Q.
Identifiers: ClinVar variation 2059958 (VCV002059958.1), dbSNP rs186103270, ClinGen allele CA310121624.
Genomic context (GRCh38, chr19:55,014,902, plus strand): 5'-CTCCACACACGCCAGTCTTTGAGTCGCCTCCCATGCCATGATCCCTCCCTTGGATACGAC[C>T]GTGCCTGGGGTTCAGCGGTCATGAACATAACCCGCGGCTGTGAACATCCTGTCGGCCTCC-3'